The following is an entry in ClinVar:

ClinVar aggregate classification (germline): Uncertain significance (1 of 4 stars; one submission).

Submission:

Women's Health and Genetics/Laboratory Corporation of America, LabCorp
Classification: Uncertain significance. Last evaluated: 2025-09-11. Review status: criteria provided, single submitter. Criteria: LabCorp Variant Classification Summary - May 2015. Collection method: clinical testing. Allele origin: germline.
Comment: Variant summary: ASXL3 c.1540C>G (p.His514Asp) results in a non-conservative amino acid change in the encoded protein sequence. Algorithms developed to predict the effect of missense changes on protein structure and function are either unavailable or do not agree on the potential impact of this missense change. The variant allele was found at a frequency of 4e-06 in 248402 control chromosomes. The available data on variant occurrences in the general population are insufficient to allow any conclusion about variant significance. To our knowledge, no occurrence of c.1540C>G in individuals affected with ASXL3-related conditions and no experimental evidence demonstrating its impact on protein function have been reported. No submitters have cited clinical-significance assessments for this variant to ClinVar. Based on the evidence outlined above, the variant was classified as uncertain significance.

NM_030632.3(ASXL3):c.1540C>G (p.His514Asp)

Gene: ASXL3 (ASXL transcriptional regulator 3; plus strand). Cytogenetic location: 18q12.1.
Variant type: single nucleotide variant.
Coding change: c.1540C>G on transcript NM_030632.3 (MANE Select); coding-DNA position 1540, C replaced by G.
Protein change: p.His514Asp; replaces histidine 514 with aspartic acid.
Molecular consequence: missense variant.
Genome position (GRCh38, 1-based): chr18:33,738,944, C>G. VCF-style: chr18-33738944-C-G. GRCh37 (hg19) VCF-style: chr18-31318908-C-G.
Other names: short protein forms H514D.
Identifiers: ClinVar variation 4535583 (VCV004535583.1).